The following is an entry in ClinVar:

NM_003041.4(SLC5A2):c.1145T>G (p.Met382Arg)

Gene: SLC5A2 (solute carrier family 5 member 2; plus strand). Cytogenetic location: 16p11.2.
Variant type: single nucleotide variant.
Coding change: c.1145T>G on transcript NM_003041.4 (MANE Select); coding-DNA position 1145, T replaced by G.
Protein change: p.Met382Arg; replaces methionine 382 with arginine.
Molecular consequence: missense variant.
Genome position (GRCh38, 1-based): chr16:31,488,637, T>G. VCF-style: chr16-31488637-T-G. GRCh37 (hg19) VCF-style: chr16-31499958-T-G.
Other names: short protein forms M382R.
Identifiers: ClinVar variation 4796771 (VCV004796771.1).

ClinVar aggregate classification (germline): Likely pathogenic (1 of 4 stars; one submission).

Conditions:
Familial renal glucosuria (GLYS). Also called: RENAL GLUCOSURIA, AUTOSOMAL DOMINANT; Familial renal glycosuria. Identifiers: Orphanet 69076, MedGen C3245525, MONDO:0009297, OMIM 233100.

Submission:

MVZ Medizinische Genetik Mainz
Classification: Likely pathogenic for Familial renal glucosuria. Last evaluated: 2026-01-30. Review status: criteria provided, single submitter. Criteria: UK Practice Guidelines For Variant Classification V4 01 2020. Collection method: clinical testing. Allele origin: germline. Inheritance: Autosomal recessive inheritance. Affected: yes. Observed: 1 variant allele.
Comment: ACMG Criteria: PP3_STR,PM5,PM2_SUP,PP4